The following is an entry in ClinVar:

ClinVar aggregate classification (germline): Benign/Likely benign. Review status: criteria provided, multiple submitters, no conflicts (2 of 4 stars). 5 submissions from 5 submitters: Benign (3); Likely benign (2). Last evaluated 2026-01-21.

Conditions:
Primary ciliary dyskinesia 10. Also called: CILIARY DYSKINESIA, PRIMARY, 10, WITH OR WITHOUT SITUS INVERSUS. Identifiers: Orphanet 244, MedGen C2675867, MONDO:0012918, OMIM 612518.
Primary ciliary dyskinesia. Also called: Ciliary dyskinesia. Identifiers: Orphanet 244, MedGen C0008780, MONDO:0016575, HP:0012265.

Allele frequency attached by ClinVar (database versions not stated): gnomAD 0.00373; TOPMed 0.00391; ESP Exome Variant Server 0.00431; gnomAD exomes 0.00096; ExAC 0.00121; 1000 Genomes Project 0.00280.
gnomAD v4.1: 1,019 of 1,613,060 alleles (0.063%); highest among the groups gnomAD compares: African/African-American, 1.2%; 8 homozygotes.

Submissions (5):

Labcorp Genetics (formerly Invitae), Labcorp
Classification: Benign for Primary ciliary dyskinesia. Last evaluated: 2026-01-21. Review status: criteria provided, single submitter. Criteria: Invitae Variant Classification Sherloc (09022015). Collection method: clinical testing. Allele origin: germline.

Blueprint Genetics
Classification: Likely benign. Last evaluated: 2024-11-13. Review status: criteria provided, single submitter. Criteria: ACMG Guidelines, 2015. Collection method: clinical testing. Allele origin: germline.

Illumina Laboratory Services, Illumina
Classification: Likely benign for Primary ciliary dyskinesia 10. Last evaluated: 2018-01-13. Review status: criteria provided, single submitter. Criteria: ICSL Variant Classification Criteria 13 December 2019. Collection method: clinical testing. Allele origin: germline.
Comment: This variant was observed in the ICSL laboratory as part of a predisposition screen in an ostensibly healthy population. It had not been previously curated by ICSL or reported in the Human Gene Mutation Database (HGMD: prior to June 1st, 2018), and was therefore a candidate for classification through an automated scoring system. Utilizing variant allele frequency, disease prevalence and penetrance estimates, and inheritance mode, an automated score was calculated to assess if this variant is too frequent to cause the disease. Based on the score and internal cut-off values, a variant classified as likely benign is not then subjected to further curation. The score for this variant resulted in a classification of likely benign for this disease.

Ambry Genetics
Classification: Benign for Primary ciliary dyskinesia. Last evaluated: 2015-06-18. Review status: criteria provided, single submitter. Criteria: Ambry Variant Classification Scheme 2023. Collection method: clinical testing. Allele origin: germline.

PreventionGenetics, part of Exact Sciences
Classification: Benign. Review status: criteria provided, single submitter. Criteria: ACMG Guidelines, 2015. Collection method: clinical testing. Allele origin: germline.

NM_018139.3(DNAAF2):c.1851C>T (p.Asn617=)

Gene: DNAAF2 (dynein axonemal assembly factor 2; minus strand). Cytogenetic location: 14q21.3.
Variant type: single nucleotide variant.
Coding change: c.1851C>T on transcript NM_018139.3 (MANE Select); coding-DNA position 1851, C replaced by T.
Protein change: p.Asn617=; no amino-acid change (asparagine 617 retained).
Molecular consequence: synonymous variant. On other transcripts: intron variant (1).
Genome position (GRCh38, 1-based): chr14:49,633,299, G>A on the plus strand (C>T on the coding strand, the complement: DNAAF2 is on the minus strand). VCF-style: chr14-49633299-G-A. GRCh37 (hg19) VCF-style: chr14-50100017-G-A.
Other names: c.1851C>T, p.Asn617= (NM_001083908.2); c.-205+184C>T (NM_001378453.1).
Identifiers: ClinVar variation 261015 (VCV000261015.20), dbSNP rs147090213, ClinGen allele CA7172816.
Genomic context (GRCh38, chr14:49,633,299, plus strand): 5'-AGTGAGATGGGATATTTCAAATATGAGGACTCTGGAAAGAACTGTTACCTCCAAAGAATC[G>A]TTGTTTACACCATAATACCACTCTCTCCAATGTCCATGGCTCTCTGGAGATTTTGCCAGT-3'
Protein context (NP_060609.2, residues 607-627): HWREWYYGVN[Asn617=]DSLEERLFVN